The following is an entry in ClinVar:

ClinVar aggregate classification (germline): Uncertain significance (1 of 4 stars; one submission).

Submission:

GeneDx
Classification: Uncertain significance. Last evaluated: 2022-03-16. Review status: criteria provided, single submitter. Criteria: GeneDx Variant Classification Process June 2021. Collection method: clinical testing. Allele origin: germline. Affected: yes.
Comment: Not observed at significant frequency in large population cohorts (gnomAD); In silico analysis supports that this missense variant does not alter protein structure/function; Has not been previously published as pathogenic or benign to our knowledge

NM_003482.4(KMT2D):c.8419T>C (p.Ser2807Pro)

Gene: KMT2D (lysine methyltransferase 2D; minus strand). Cytogenetic location: 12q13.12.
Variant type: single nucleotide variant.
Coding change: c.8419T>C on transcript NM_003482.4 (MANE Select); coding-DNA position 8419, T replaced by C.
Protein change: p.Ser2807Pro; replaces serine 2807 with proline.
Molecular consequence: missense variant.
Genome position (GRCh38, 1-based): chr12:49,038,937, A>G on the plus strand (T>C on the coding strand, the complement: KMT2D is on the minus strand). VCF-style: chr12-49038937-A-G. GRCh37 (hg19) VCF-style: chr12-49432720-A-G.
Other names: short protein forms S2807P.
Identifiers: ClinVar variation 1706259 (VCV001706259.2), dbSNP rs2120506319, ClinGen allele CA384742348.